The following is an entry in ClinVar:

ClinVar aggregate classification (germline): Pathogenic (1 of 4 stars; one submission).

Submission:

Labcorp Genetics (formerly Invitae), Labcorp
Classification: Pathogenic. Last evaluated: 2022-04-16. Review status: criteria provided, single submitter. Criteria: Invitae Variant Classification Sherloc (09022015). Collection method: clinical testing. Allele origin: germline.
Comment: For these reasons, this variant has been classified as Pathogenic. This variant has not been reported in the literature in individuals affected with USH2A-related conditions. This variant is not present in population databases (gnomAD no frequency). This sequence change creates a premature translational stop signal (p.Leu2301Phefs*25) in the USH2A gene. It is expected to result in an absent or disrupted protein product. Loss-of-function variants in USH2A are known to be pathogenic (PMID: 10729113, 10909849, 20507924, 25649381).

Literature cited by the submitters: PubMed 10729113; PubMed 10909849; PubMed 20507924; PubMed 25649381.

NM_206933.4(USH2A):c.6903del (p.Leu2301fs)

Gene: USH2A (usherin; minus strand). Cytogenetic location: 1q41.
Variant type: Deletion.
Coding change: c.6903del on transcript NM_206933.4 (MANE Select); coding-DNA position 6903, one base deleted (A; older notation c.6903delA).
Protein change: p.Leu2301fs; shifts the reading frame from leucine 2301.
Molecular consequence: frameshift variant.
Genome position (GRCh38, 1-based): chr1:215,970,679, T deleted on the plus strand (A on the coding strand, the reverse complement: USH2A is on the minus strand). VCF-style (leftmost placement, unchanged base first): chr1-215970678-GT-G. GRCh37 (hg19) VCF-style: chr1-216144020-GT-G.
Other names: short protein forms L2301fs.
Identifiers: ClinVar variation 2126829 (VCV002126829.4), dbSNP rs2527564859, ClinGen allele CA2580062082.